The following is an entry in ClinVar:

ClinVar aggregate classification (germline): Uncertain significance (1 of 4 stars; one submission).

Conditions:
MYO15A-related disorder. Also called: MYO15A-related condition.

Submission:

PreventionGenetics, part of Exact Sciences
Classification: Uncertain significance for MYO15A-related condition. Last evaluated: 2024-12-13. Review status: criteria provided, single submitter. Criteria: ACMG Guidelines, 2015. Collection method: clinical testing. Allele origin: germline.
Comment: The MYO15A c.7395G>A variant is not predicted to result in an amino acid change (p.=). This variant occurs at the last nucleotide of exon 37 and is predicted to decrease the strength of the canonical splice donor site (SpliceAI, Jaganathan et al. 2019. PubMed ID: 30661751). To our knowledge, this variant has not been reported in the literature or in a large population database (gnomAD), indicating this variant is rare. At this time, the clinical significance of this variant is uncertain due to the absence of conclusive functional and genetic evidence.

NM_016239.4(MYO15A):c.7395G>A (p.Leu2465=)

Gene: MYO15A (myosin XVA; plus strand). Cytogenetic location: 17p11.2.
Variant type: single nucleotide variant.
Coding change: c.7395G>A on transcript NM_016239.4 (MANE Select); coding-DNA position 7395, G replaced by A.
Protein change: p.Leu2465=; no amino-acid change (leucine 2465 retained).
Molecular consequence: synonymous variant.
Genome position (GRCh38, 1-based): chr17:18,150,765, G>A. VCF-style: chr17-18150765-G-A. GRCh37 (hg19) VCF-style: chr17-18054079-G-A.
Identifiers: ClinVar variation 5001248 (VCV005001248.1).